The following is an entry in ClinVar:

ClinVar aggregate classification (germline): Pathogenic (1 of 4 stars; one submission).

Conditions:
Cornelia de Lange syndrome 1 (CDLS1). Also called: Brachmann de Lange syndrome; TYPUS DEGENERATIVUS AMSTELODAMENSIS; NIPBL-Related Cornelia de Lange Syndrome. Identifiers: Orphanet 199, MedGen C4551851, MONDO:0007387, OMIM 122470.

Submission:

Labcorp Genetics (formerly Invitae), Labcorp
Classification: Pathogenic for Cornelia de Lange syndrome 1. Last evaluated: 2016-06-24. Review status: criteria provided, single submitter. Criteria: Invitae Variant Classification Sherloc (09022015). Collection method: clinical testing. Allele origin: germline.
Comment: This sequence change deletes 1 nucleotide from exon 23 of the NIPBL mRNA (c.4686delT), causing a frameshift at codon 1562. This creates a premature translational stop signal (p.Phe1562Leufs*27) and is expected to result in an absent or disrupted protein product. While this particular variant has not been reported in the literature, loss-of-function variants in NIPBL are known to be pathogenic (PMID: 24038889). For these reasons, this variant has been classified as Pathogenic.

NM_133433.4(NIPBL):c.4686del (p.Phe1562fs)

Gene: NIPBL (NIPBL cohesin loading factor; plus strand). Cytogenetic location: 5p13.2.
Variant type: Deletion.
Coding change: c.4686del on transcript NM_133433.4 (MANE Select); coding-DNA position 4686, one base deleted (T; older notation c.4686delT).
Protein change: p.Phe1562fs; shifts the reading frame from phenylalanine 1562.
Molecular consequence: frameshift variant.
Genome position (GRCh38, 1-based): chr5:37,016,080, T deleted; the last of 3 consecutive T bases (chr5:37,016,078-37,016,080); deleting any one gives the same sequence. VCF-style (leftmost placement, unchanged base first): chr5-37016077-GT-G. GRCh37 (hg19) VCF-style: chr5-37016179-GT-G.
Other names: c.4686del, p.Phe1562fs (NM_015384.5); short protein forms F1562fs.
Identifiers: ClinVar variation 476591 (VCV000476591.1), dbSNP rs1554023967, ClinGen allele CA658657439.